The following is an entry in ClinVar:

ClinVar aggregate classification (germline): Uncertain significance (1 of 4 stars; one submission).

Conditions:
Autosomal recessive limb-girdle muscular dystrophy type R18 (LGMDR18). Also called: Autosomal recessive limb-girdle muscular dystrophy type 2S; Limb-girdle muscular dystrophy, type 2S; MUSCULAR DYSTROPHY, LIMB-GIRDLE, AUTOSOMAL RECESSIVE 18. Identifiers: Orphanet 369840, MedGen C4517996, MONDO:0014144, OMIM 615356.

Allele frequency attached by ClinVar (database versions not stated): gnomAD 0.00003 and 0.00004; gnomAD exomes 0.00001; TOPMed 0.00002.
gnomAD v4.1: 45 of 1,613,924 alleles (0.0028%); highest among the groups gnomAD compares: Non-Finnish European, 0.0036%; no homozygotes.

Submission:

Labcorp Genetics (formerly Invitae), Labcorp
Classification: Uncertain significance for Autosomal recessive limb-girdle muscular dystrophy type R18. Last evaluated: 2021-09-17. Review status: criteria provided, single submitter. Criteria: Invitae Variant Classification Sherloc (09022015). Collection method: clinical testing. Allele origin: germline.
Comment: This sequence change replaces aspartic acid with glycine at codon 608 of the TRAPPC11 protein (p.Asp608Gly). The aspartic acid residue is moderately conserved and there is a moderate physicochemical difference between aspartic acid and glycine. This variant is not present in population databases (ExAC no frequency). This variant has not been reported in the literature in individuals affected with TRAPPC11-related conditions. Algorithms developed to predict the effect of missense changes on protein structure and function (SIFT, PolyPhen-2, Align-GVGD) all suggest that this variant is likely to be tolerated. Algorithms developed to predict the effect of sequence changes on RNA splicing suggest that this variant may create or strengthen a splice site. In summary, the available evidence is currently insufficient to determine the role of this variant in disease. Therefore, it has been classified as a Variant of Uncertain Significance.

NM_021942.6(TRAPPC11):c.1823A>G (p.Asp608Gly)

Gene: TRAPPC11 (trafficking protein particle complex subunit 11; plus strand). Cytogenetic location: 4q35.1.
Variant type: single nucleotide variant.
Coding change: c.1823A>G on transcript NM_021942.6 (MANE Select); coding-DNA position 1823, A replaced by G.
Protein change: p.Asp608Gly; replaces aspartic acid 608 with glycine.
Molecular consequence: missense variant.
Genome position (GRCh38, 1-based): chr4:183,686,678, A>G. VCF-style: chr4-183686678-A-G. GRCh37 (hg19) VCF-style: chr4-184607831-A-G.
Other names: c.1823A>G, p.Asp608Gly (NM_199053.3); short protein forms D608G.
Identifiers: ClinVar variation 1475440 (VCV001475440.3), dbSNP rs1448973560, ClinGen allele CA358869774.